The following is an entry in ClinVar:

ClinVar aggregate classification (germline): Uncertain significance. Review status: criteria provided, multiple submitters, no conflicts (2 of 4 stars). 2 submissions from 2 submitters: Uncertain significance (2). Last evaluated 2023-04-16.

Conditions:
Epilepsy, familial focal, with variable foci 3 (FFEVF3). Identifiers: MedGen C4310708, MONDO:0014925, OMIM 617118.

Allele frequency attached by ClinVar (database versions not stated): gnomAD 0.00002; gnomAD exomes 0.00002; TOPMed 0.00003; ExAC 0.00004; ESP Exome Variant Server 0.00008.
gnomAD v4.1: 29 of 1,559,672 alleles (0.0019%); highest among the groups gnomAD compares: Non-Finnish European, 0.0025%; no homozygotes.

Submissions (2):

GeneDx
Classification: Uncertain significance. Last evaluated: 2023-04-16. Review status: criteria provided, single submitter. Criteria: GeneDx Variant Classification Process June 2021. Collection method: clinical testing. Allele origin: germline. Affected: yes.
Comment: In silico analysis supports that this missense variant has a deleterious effect on protein structure/function; Has not been previously published as pathogenic or benign to our knowledge; Not observed at significant frequency in large population cohorts (gnomAD)

Labcorp Genetics (formerly Invitae), Labcorp
Classification: Uncertain significance for Epilepsy, familial focal, with variable foci 3. Last evaluated: 2022-06-23. Review status: criteria provided, single submitter. Criteria: Invitae Variant Classification Sherloc (09022015). Collection method: clinical testing. Allele origin: germline.
Comment: This variant is not present in population databases (gnomAD no frequency). This variant has not been reported in the literature in individuals affected with NPRL3-related conditions. ClinVar contains an entry for this variant (Variation ID: 938089). Experimental studies and prediction algorithms are not available or were not evaluated, and the functional significance of this variant is currently unknown. In summary, the available evidence is currently insufficient to determine the role of this variant in disease. Therefore, it has been classified as a Variant of Uncertain Significance. This sequence change replaces glycine, which is neutral and non-polar, with serine, which is neutral and polar, at codon 320 of the NPRL3 protein (p.Gly320Ser).

NM_001077350.3(NPRL3):c.958G>A (p.Gly320Ser)

Genes: HBA-LCR (alpha-globin locus control region; plus strand), NPRL3 (NPR3 like, GATOR1 complex subunit; minus strand). Cytogenetic location: 16p13.3.
Variant type: single nucleotide variant.
Coding change: c.958G>A on transcript NM_001077350.3 (MANE Select); coding-DNA position 958, G replaced by A.
Protein change: p.Gly320Ser; replaces glycine 320 with serine.
Molecular consequence: missense variant.
Genome position (GRCh38, 1-based): chr16:93,292, C>T on the plus strand (G>A on the coding strand, the complement: NPRL3 is on the minus strand). VCF-style: chr16-93292-C-T. GRCh37 (hg19) VCF-style: chr16-143290-C-T.
Other names: c.421G>A, p.Gly141Ser (NM_001039476.3); c.724G>A, p.Gly242Ser (NM_001243247.2); c.883G>A, p.Gly295Ser (NM_001243248.2, NM_001243249.2); short protein forms G320S, G141S, G242S, G295S.
Identifiers: ClinVar variation 938089 (VCV000938089.10), dbSNP rs375417903, ClinGen allele CA7769493.
Genomic context (GRCh38, chr16:93,292, plus strand): 5'-CATTGGGAGACAGCATGTAGACGTTGTTCTCACACAGCGGGTAGATGATGATGGCCTTGC[C>T]CCAGTACACCAGATGAGCTGCAAGCTGGAAAACCTGCAGGCAAAAGGGAAGCTGCAAGGA-3'
Protein context (NP_001070818.1, residues 310-330): FQLAAHLVYW[Gly320Ser]KAIIIYPLCE